The following is an entry in ClinVar:

NM_000256.3(MYBPC3):c.3308A>C (p.Gln1103Pro)

Gene: MYBPC3 (myosin binding protein C3; minus strand). Cytogenetic location: 11p11.2.
Variant type: single nucleotide variant.
Coding change: c.3308A>C on transcript NM_000256.3 (MANE Select); coding-DNA position 3308, A replaced by C.
Protein change: p.Gln1103Pro; replaces glutamine 1103 with proline.
Molecular consequence: missense variant.
Genome position (GRCh38, 1-based): chr11:47,333,216, T>G on the plus strand (A>C on the coding strand, the complement: MYBPC3 is on the minus strand). VCF-style: chr11-47333216-T-G. GRCh37 (hg19) VCF-style: chr11-47354767-T-G.
Other names: p.Q1103P:CAG>CCG; c.3308A>C, p.Gln1103Pro (LRG_386t1); short protein forms Q1103P.
Identifiers: ClinVar variation 181006 (VCV000181006.9), dbSNP rs730880591, ClinGen allele CA013870.

ClinVar aggregate classification (germline): Uncertain significance. Review status: criteria provided, multiple submitters, no conflicts (2 of 4 stars). 2 submissions from 2 submitters: Uncertain significance (2). Last evaluated 2024-02-12.

Conditions:
Hypertrophic cardiomyopathy. Also called: HYPERTROPHIC MYOCARDIOPATHY. Identifiers: Orphanet 217569, MedGen C0007194, MeSH D002312, MONDO:0005045, HP:0001639.

Submissions (2):

Labcorp Genetics (formerly Invitae), Labcorp
Classification: Uncertain significance for Hypertrophic cardiomyopathy. Last evaluated: 2024-02-12. Review status: criteria provided, single submitter. Criteria: Invitae Variant Classification Sherloc (09022015). Collection method: clinical testing. Allele origin: germline.
Comment: This sequence change replaces glutamine, which is neutral and polar, with proline, which is neutral and non-polar, at codon 1103 of the MYBPC3 protein (p.Gln1103Pro). This variant is not present in population databases (gnomAD no frequency). This variant has not been reported in the literature in individuals affected with MYBPC3-related conditions. ClinVar contains an entry for this variant (Variation ID: 181006). An algorithm developed to predict the effect of missense changes on protein structure and function (PolyPhen-2) suggests that this variant is likely to be disruptive. In summary, the available evidence is currently insufficient to determine the role of this variant in disease. Therefore, it has been classified as a Variant of Uncertain Significance.

GeneDx
Classification: Uncertain significance. Last evaluated: 2014-05-28. Review status: criteria provided, single submitter. Criteria: GeneDx Variant Classification (06012015). Collection method: clinical testing. Allele origin: germline. Affected: yes.
Comment: This variant is denoted p.Gln1103Pro (CAG>CCG): c.3308 A>C in exon 30 of the MYBPC3 gene (NM_000256.3). A variant of unknown significance has been identified in the MYBPC3 gene. The Q1103P variant has not been published as a mutation, nor has it been reported as a benign polymorphism to our knowledge. The Q1103P variant was not observed in approximately 6,000 individuals of European and African American ancestry in the NHLBI Exome Sequencing Project, indicating it is not a common benign variant in these populations. This substitution occurs at a position that is conserved across species. In addition, the Q1103P variant is a non-conservative amino acid substitution, which is likely to impact secondary protein structure as these residues differ in polarity, charge, size and/or other properties. In silico analysis predicts this variant is probably damaging to the protein structure/function. Furthermore, missense mutations in nearby residues (E1096K, T1109I, E1111G, F1113I) have been reported in association with HCM, supporting the functional importance of this region of the protein. Therefore, based on the currently available information, it is unclear whether this variant is a pathogenic mutation or a rare benign variant. The variant is found in HCM panel(s).